The following is an entry in ClinVar:

NM_000093.5(COL5A1):c.2700+2T>C

Gene: COL5A1 (collagen type V alpha 1 chain; plus strand). Cytogenetic location: 9q34.3.
Variant type: single nucleotide variant.
Coding change: c.2700+2T>C on transcript NM_000093.5 (MANE Select); the canonical splice donor site of the intron after coding-DNA position 2700, T replaced by C.
Molecular consequence: splice donor variant.
Genome position (GRCh38, 1-based): chr9:134,789,210, T>C. VCF-style: chr9-134789210-T-C. GRCh37 (hg19) VCF-style: chr9-137681056-T-C.
Other names: c.2700+2T>C (NM_001278074.1).
Identifiers: ClinVar variation 662748 (VCV000662748.10), dbSNP rs1588551226, ClinGen allele CA375455901.

ClinVar aggregate classification (germline): Likely pathogenic (1 of 4 stars; one submission).

Conditions:
Ehlers-Danlos syndrome, classic type, 1 (EDSCL1). Also called: EDS I; EHLERS-DANLOS SYNDROME, GRAVIS TYPE; EHLERS-DANLOS SYNDROME, SEVERE CLASSIC TYPE; Ehlers-Danlos Syndrome, Classic Type, COL5A1-Related; Ehlers-Danlos syndrome, type 1. Identifiers: MedGen C0268335, MONDO:0019567, OMIM 130000.

Submission:

Labcorp Genetics (formerly Invitae), Labcorp
Classification: Likely pathogenic for Ehlers-Danlos syndrome, classic type, 1. Last evaluated: 2018-09-20. Review status: criteria provided, single submitter. Criteria: Invitae Variant Classification Sherloc (09022015). Collection method: clinical testing. Allele origin: germline.
Comment: In summary, the currently available evidence indicates that the variant is pathogenic, but additional data are needed to prove that conclusively. Therefore, this variant has been classified as Likely Pathogenic. This sequence change affects a donor splice site in intron 32 of the COL5A1 gene. It is expected to disrupt RNA splicing and likely results in an absent or disrupted protein product. This variant is not present in population databases (ExAC no frequency). Disruption of this splice site has been observed in an individual affected with Ehlers-Danlos syndrome (PMID: 15580559). Algorithms developed to predict the effect of sequence changes on RNA splicing suggest that this variant may disrupt the consensus splice site, but this prediction has not been confirmed by published transcriptional studies. Donor and acceptor splice site variants typically lead to a loss of protein function (PMID: 16199547), and loss-of-function variants in COL5A1 are known to be pathogenic (PMID: 23587214).

Literature cited by the submitters: PubMed 15580559; PubMed 16199547; PubMed 23587214.